The following is an entry in ClinVar:

NM_133433.4(NIPBL):c.6646T>C (p.Tyr2216His)

Gene: NIPBL (NIPBL cohesin loading factor; plus strand). Cytogenetic location: 5p13.2.
Variant type: single nucleotide variant.
Coding change: c.6646T>C on transcript NM_133433.4 (MANE Select); coding-DNA position 6646, T replaced by C.
Protein change: p.Tyr2216His; replaces tyrosine 2216 with histidine.
Molecular consequence: missense variant.
Genome position (GRCh38, 1-based): chr5:37,048,558, T>C. VCF-style: chr5-37048558-T-C. GRCh37 (hg19) VCF-style: chr5-37048660-T-C.
Other names: c.6646T>C, p.Tyr2216His (NM_015384.5); short protein forms Y2216H.
Identifiers: ClinVar variation 159205 (VCV000159205.8), dbSNP rs587784020, ClinGen allele CA272251.
Genomic context (GRCh38, chr5:37,048,558, plus strand): 5'-ATAGGATTTGCCTTTATTCAGCATCCAAGTCTAATGTTCGAGCAAGAAGTGAAGAATCTA[T>C]ATAATAATATTTTATCTGATAAGAACTCCTCAGTCAATTTAAAAATACAAGTGTTAAAAA-3'
Protein context (NP_597677.2, residues 2206-2226): LMFEQEVKNL[Tyr2216His]NNILSDKNSS

ClinVar aggregate classification (germline): Pathogenic/Likely pathogenic. Review status: criteria provided, multiple submitters, no conflicts (2 of 4 stars). 3 submissions from 3 submitters: Pathogenic (1); Likely pathogenic (1). 1 of the submissions does not count toward it. Last evaluated 2021-07-15.

Conditions:
Cornelia de Lange syndrome 1 (CDLS1). Also called: Brachmann de Lange syndrome; NIPBL-Related Cornelia de Lange Syndrome; TYPUS DEGENERATIVUS AMSTELODAMENSIS. Identifiers: Orphanet 199, MedGen C4551851, MONDO:0007387, OMIM 122470.

Submissions (3):

Genome-Nilou Lab
Classification: Likely pathogenic for Cornelia de Lange syndrome 1. Last evaluated: 2021-07-15. Review status: criteria provided, single submitter. Criteria: ACMG Guidelines, 2015. Collection method: clinical testing. Allele origin: germline. Affected: no.

Labcorp Genetics (formerly Invitae), Labcorp
Classification: Pathogenic for Cornelia de Lange syndrome 1. Last evaluated: 2018-06-04. Review status: criteria provided, single submitter. Criteria: Invitae Variant Classification Sherloc (09022015). Collection method: clinical testing. Allele origin: germline.
Comment: This sequence change replaces tyrosine with histidine at codon 2216 of the NIPBL protein (p.Tyr2216His). The tyrosine residue is moderately conserved and there is a moderate physicochemical difference between tyrosine and histidine. This variant is not present in population databases (ExAC no frequency). ClinVar contains an entry for this variant (Variation ID: 159205). Algorithms developed to predict the effect of missense changes on protein structure and function are either unavailable or do not agree on the potential impact of this missense change (SIFT: "Deleterious"; PolyPhen-2: "Probably Damaging"; Align-GVGD: "Class C0"). Two other missense variants at this residue (p.Tyr2216Cys and p.Try2216Ser) in NIPBL have been determined to be clinically significant (PMID:24874887, 24635725). This suggests that variants that disrupt this residue are likely to be causative of disease. For these reasons, this variant has been classified as Pathogenic.

Genetic Services Laboratory, University of Chicago
Classification: Uncertain significance for Cornelia de Lange syndrome 1. Last evaluated: 2014-05-13. Review status: flagged submission. Criteria: ACMG Guidelines, 2015. Collection method: clinical testing. Allele origin: germline. Inheritance: Autosomal dominant inheritance. Not counted in ClinVar's aggregate classification.
ClinVar note: Reason: Older claim that does not account for recent evidence

Literature cited by the submitters: PubMed 24635725 (cited by Labcorp Genetics (formerly Invitae), Labcorp); PubMed 24874887 (cited by Labcorp Genetics (formerly Invitae), Labcorp).